The following is an entry in ClinVar:

ClinVar aggregate classification (germline): Pathogenic (1 of 4 stars; one submission).

Conditions:
Mucopolysaccharidosis type 6 (MPS6). Also called: MPS 6; Maroteaux Lamy syndrome; ARSB DEFICIENCY; ARYLSULFATASE B DEFICIENCY; N-ACETYLGALACTOSAMINE-4-SULFATASE DEFICIENCY; MPS VI. Identifiers: Orphanet 583, MedGen C0026709, MONDO:0009661, OMIM 253200.

Submission:

Foundation for Research in Genetics and Endocrinology, FRIGE's Institute of Human Genetics
Classification: Pathogenic for Mucopolysaccharidosis type 6. Last evaluated: 2022-07-30. Review status: criteria provided, single submitter. Criteria: ACMG Guidelines, 2015. Collection method: clinical testing. Allele origin: germline. Inheritance: Autosomal recessive inheritance. Affected: yes. Observed: 1 heterozygote.
Comment: A homozygous missense variation in exon 1 of the ARSB gene that results in the amino acid substitution of Lysine for Glutamine at codon 97 was detected. The observed variant c.289C>A (p.Gln98Lys) has not been reported in the 1000 genomes and gnomAD databases. Alternative variant chr5:78280782 T⇒C (Gln97Arg) is classified Likely Pathogenic, 0 stars, by ClinVar (and confirmed using ACMG). The variant is present in UniProt protein ARSB_HUMAN metal ion binding domain. The in silico prediction of the variant are possibly damaging by Mutation Taster, LRT, MutPred, FATHMM-MKL, MVP and SIFT. The reference codon is conserved across species. Therefore, the variant meets our criteria to be classified as pathogenic based on absence from controls and in silico prediction models.

NM_000046.5(ARSB):c.289C>A (p.Gln97Lys)

Genes: ARSB (arylsulfatase B; minus strand), LOC129994126 (ATAC-STARR-seq lymphoblastoid silent region 16127; plus strand). Cytogenetic location: 5q14.1.
Variant type: single nucleotide variant.
Coding change: c.289C>A on transcript NM_000046.5 (MANE Select); coding-DNA position 289, C replaced by A.
Protein change: p.Gln97Lys; replaces glutamine 97 with lysine.
Molecular consequence: missense variant.
Genome position (GRCh38, 1-based): chr5:78,984,960, G>T on the plus strand (C>A on the coding strand, the complement: ARSB is on the minus strand). VCF-style: chr5-78984960-G-T. GRCh37 (hg19) VCF-style: chr5-78280783-G-T.
Other names: p.Gln97Lys; c.289C>A, p.Gln97Lys (NM_198709.3); short protein forms Q97K.
Identifiers: ClinVar variation 1710132 (VCV001710132.3), dbSNP rs1554032094, ClinGen allele CA360196378.